The following is an entry in ClinVar:

ClinVar aggregate classification (germline): Uncertain significance (1 of 4 stars; one submission).

gnomAD v4.1: 5 of 1,605,272 alleles (0.00031%); highest among the groups gnomAD compares: African/African-American, 0.0013%; no homozygotes.

Submission:

Labcorp Genetics (formerly Invitae), Labcorp
Classification: Uncertain significance. Last evaluated: 2025-06-16. Review status: criteria provided, single submitter. Criteria: Invitae Variant Classification Sherloc (09022015). Collection method: clinical testing. Allele origin: germline.
Comment: This sequence change replaces glutamic acid, which is acidic and polar, with lysine, which is basic and polar, at codon 2160 of the CACNA1D protein (p.Glu2160Lys). This variant is not present in population databases (gnomAD no frequency). This variant has not been reported in the literature in individuals affected with CACNA1D-related conditions. ClinVar contains an entry for this variant (Variation ID: 3614899). An algorithm developed to predict the effect of missense changes on protein structure and function (PolyPhen-2) suggests that this variant is likely to be disruptive. In summary, the available evidence is currently insufficient to determine the role of this variant in disease. Therefore, it has been classified as a Variant of Uncertain Significance.

NM_001128840.3(CACNA1D):c.6418G>A (p.Glu2140Lys)

Gene: CACNA1D (calcium voltage-gated channel subunit alpha1 D; plus strand). Cytogenetic location: 3p21.1.
Variant type: single nucleotide variant.
Coding change: c.6418G>A on transcript NM_001128840.3 (MANE Select); coding-DNA position 6418, G replaced by A.
Protein change: p.Glu2140Lys; replaces glutamic acid 2140 with lysine.
Molecular consequence: missense variant.
Genome position (GRCh38, 1-based): chr3:53,811,338, G>A. VCF-style: chr3-53811338-G-A. GRCh37 (hg19) VCF-style: chr3-53845365-G-A.
Other names: c.6478G>A, p.Glu2160Lys (NM_000720.4); c.6346G>A, p.Glu2116Lys (NM_001128839.3); short protein forms E2116K, E2140K, E2160K.
Identifiers: ClinVar variation 3614899 (VCV003614899.2).